The following is an entry in ClinVar:

NM_020822.3(KCNT1):c.3125G>A (p.Arg1042Gln)

Gene: KCNT1 (potassium sodium-activated channel subfamily T member 1; plus strand). Cytogenetic location: 9q34.3.
Variant type: single nucleotide variant.
Coding change: c.3125G>A on transcript NM_020822.3 (MANE Select); coding-DNA position 3125, G replaced by A.
Protein change: p.Arg1042Gln; replaces arginine 1042 with glutamine.
Molecular consequence: missense variant.
Genome position (GRCh38, 1-based): chr9:135,784,858, G>A. VCF-style: chr9-135784858-G-A. GRCh37 (hg19) VCF-style: chr9-138676704-G-A.
Other names: c.2990G>A, p.Arg997Gln (NM_001272003.2); short protein forms R1042Q, R997Q.
Identifiers: ClinVar variation 540568 (VCV000540568.10), dbSNP rs763578184, ClinGen allele CA5327619.

ClinVar aggregate classification (germline): Uncertain significance. Review status: criteria provided, multiple submitters, no conflicts (2 of 4 stars). 2 submissions from 2 submitters: Uncertain significance (2). Last evaluated 2021-10-06.

Conditions:
Autosomal dominant nocturnal frontal lobe epilepsy 5. Also called: Epilepsy, nocturnal frontal lobe, 5; KCNT1-Related Epilepsy; CILIARY DYSKINESIA, PRIMARY, 28, WITHOUT SITUS INVERSUS; CILIARY DYSKINESIA, PRIMARY, 28, WITH SITUS INVERSUS. Identifiers: Orphanet 98784, MedGen C3554306, MONDO:0014002, OMIM 615005.
Developmental and epileptic encephalopathy, 14 (DEE14). Also called: Early infantile epileptic encephalopathy 14. Identifiers: Orphanet 293181, MedGen C3554195, MONDO:0013989, OMIM 614959.

Allele frequency attached by ClinVar (database versions not stated): gnomAD exomes 0.00001; TOPMed 0.00001; ExAC 0.00002.
gnomAD v4.1: 22 of 1,612,708 alleles (0.0014%); highest among the groups gnomAD compares: Non-Finnish European, 0.0017%; no homozygotes.

Submissions (2):

Fulgent Genetics
Classification: Uncertain significance for Developmental and epileptic encephalopathy, 14; Autosomal dominant nocturnal frontal lobe epilepsy 5. Last evaluated: 2021-10-06. Review status: criteria provided, single submitter. Criteria: ACMG Guidelines, 2015. Collection method: clinical testing. Allele origin: unknown.

Labcorp Genetics (formerly Invitae), Labcorp
Classification: Uncertain significance for Autosomal dominant nocturnal frontal lobe epilepsy 5; Developmental and epileptic encephalopathy, 14. Last evaluated: 2017-10-31. Review status: criteria provided, single submitter. Criteria: Invitae Variant Classification Sherloc (09022015). Collection method: clinical testing. Allele origin: germline.
Comment: Algorithms developed to predict the effect of sequence changes on RNA splicing suggest that this variant may create or strengthen a splice site, but this prediction has not been confirmed by published transcriptional studies. In summary, the available evidence is currently insufficient to determine the role of this variant in disease. Therefore, it has been classified as a Variant of Uncertain Significance. Algorithms developed to predict the effect of missense changes on protein structure and function (SIFT, PolyPhen-2, Align-GVGD) all suggest that this variant is likely to be disruptive, but these predictions have not been confirmed by published functional studies and their clinical significance is uncertain. This sequence change replaces arginine with glutamine at codon 1042 of the KCNT1 protein (p.Arg1042Gln). The arginine residue is highly conserved and there is a small physicochemical difference between arginine and glutamine. This variant is present in population databases (rs763578184, ExAC 0.003%). This variant has not been reported in the literature in individuals with KCNT1-related disease.